The following is an entry in ClinVar:

ClinVar aggregate classification (germline): Uncertain significance (1 of 4 stars; one submission).

gnomAD v4.1: 1 of 1,614,220 alleles (0.000062%); highest among the groups gnomAD compares: Non-Finnish European, 0.000085%; no homozygotes.

Submission:

GeneDx
Classification: Uncertain significance. Last evaluated: 2026-02-27. Review status: criteria provided, single submitter. Criteria: GeneDx Variant Classification Process June 2021. Collection method: clinical testing. Allele origin: germline.
Comment: Not observed at significant frequency in large population cohorts (gnomAD); In silico analysis supports that this missense variant has a deleterious effect on protein structure/function; Has not been previously published as pathogenic or benign to our knowledge

NM_001378183.1(PIEZO2):c.7046T>C (p.Met2349Thr)

Gene: PIEZO2 (piezo type mechanosensitive ion channel component 2; minus strand). Cytogenetic location: 18p11.22.
Variant type: single nucleotide variant.
Coding change: c.7046T>C on transcript NM_001378183.1 (MANE Select); coding-DNA position 7046, T replaced by C.
Protein change: p.Met2349Thr; replaces methionine 2349 with threonine.
Molecular consequence: missense variant.
Genome position (GRCh38, 1-based): chr18:10,696,218, A>G on the plus strand (T>C on the coding strand, the complement: PIEZO2 is on the minus strand). VCF-style: chr18-10696218-A-G. GRCh37 (hg19) VCF-style: chr18-10696216-A-G.
Other names: c.6782T>C, p.Met2261Thr (NM_001410871.1); c.6707T>C, p.Met2236Thr (NM_022068.4); short protein forms M2236T, M2261T, M2349T.
Identifiers: ClinVar variation 5009786 (VCV005009786.1).